The following is an entry in ClinVar:

NM_199420.4(POLQ):c.7651G>A (p.Val2551Ile)

Gene: POLQ (DNA polymerase theta; minus strand). Cytogenetic location: 3q13.33.
Variant type: single nucleotide variant.
Coding change: c.7651G>A on transcript NM_199420.4 (MANE Select); coding-DNA position 7651, G replaced by A.
Protein change: p.Val2551Ile; replaces valine 2551 with isoleucine.
Molecular consequence: missense variant.
Genome position (GRCh38, 1-based): chr3:121,432,926, C>T on the plus strand (G>A on the coding strand, the complement: POLQ is on the minus strand). VCF-style: chr3-121432926-C-T. GRCh37 (hg19) VCF-style: chr3-121151773-C-T.
Other names: short protein forms V2551I.
Identifiers: ClinVar variation 3230167 (VCV003230167.1), dbSNP rs1322820385, ClinGen allele CA354093482.

ClinVar aggregate classification (germline): Uncertain significance (1 of 4 stars; one submission).

Allele frequency attached by ClinVar (database versions not stated): gnomAD exomes 0.00001; TOPMed 0.00001.
gnomAD v4.1: 5 of 1,572,984 alleles (0.00032%); highest among the groups gnomAD compares: Non-Finnish European, 0.00044%; no homozygotes.

Submission:

Ambry Genetics
Classification: Uncertain significance. Last evaluated: 2023-12-29. Review status: criteria provided, single submitter. Criteria: Ambry Variant Classification Scheme 2023. Collection method: clinical testing. Allele origin: germline.
Comment: The p.V2551I variant (also known as c.7651G>A), located in coding exon 29 of the POLQ gene, results from a G to A substitution at nucleotide position 7651. The valine at codon 2551 is replaced by isoleucine, an amino acid with highly similar properties. This amino acid position is conserved. In addition, this alteration is predicted to be tolerated by in silico analysis. Since supporting evidence is limited at this time, the clinical significance of this alteration remains unclear.